The following is an entry in ClinVar:

NM_005029.4(PITX3):c.617del (p.Pro206fs)

Genes: GBF1 (golgi brefeldin A resistant guanine nucleotide exchange factor 1; plus strand), PITX3 (paired like homeodomain 3; minus strand). Cytogenetic location: 10q24.32.
Variant type: Deletion.
Coding change: c.617del on transcript NM_005029.4 (MANE Select); coding-DNA position 617, one base deleted (C; older notation c.617delC).
Protein change: p.Pro206fs; shifts the reading frame from proline 206.
Molecular consequence: frameshift variant. On other transcripts: 5 prime UTR variant (2).
Genome position (GRCh38, 1-based): chr10:102,230,806, G deleted on the plus strand (C on the coding strand, the reverse complement: PITX3 is on the minus strand); the first of 4 consecutive G bases (chr10:102,230,806-102,230,809); deleting any one gives the same sequence. VCF-style (leftmost placement, unchanged base first): chr10-102230805-CG-C. GRCh37 (hg19) VCF-style: chr10-103990562-CG-C.
Other names: c.-118del (NM_001391923.1); c.-256del (NM_001391924.1); short protein forms P206fs.
Identifiers: ClinVar variation 1500829 (VCV001500829.8), dbSNP rs2133795000, ClinGen allele CA2573145472.

ClinVar aggregate classification (germline): Uncertain significance (1 of 4 stars; one submission).

Submission:

Labcorp Genetics (formerly Invitae), Labcorp
Classification: Uncertain significance. Last evaluated: 2021-11-01. Review status: criteria provided, single submitter. Criteria: Invitae Variant Classification Sherloc (09022015). Collection method: clinical testing. Allele origin: germline.
Comment: This variant results in an extension of the PITX3 protein. Other variant(s) that result in a similarly extended protein product (p.Gly217Alafs*9, p.Leu225Trpfs*84) have been observed in individuals with PITX3-related disease (PMID: 15286169, 29405783). This suggests that these extensions may be clinically significant. This sequence change results in a frameshift in the PITX3 gene (p.Pro206Argfs*103). While this is not anticipated to result in nonsense mediated decay, it is expected to disrupt the last 97 amino acid(s) of the PITX3 protein and extend the protein by 5 additional amino acid residues. This variant is not present in population databases (gnomAD no frequency). This variant has not been reported in the literature in individuals affected with PITX3-related conditions. Experimental studies and prediction algorithms are not available or were not evaluated, and the functional significance of this variant is currently unknown. In summary, the available evidence is currently insufficient to determine the role of this variant in disease. Therefore, it has been classified as a Variant of Uncertain Significance.

Literature cited by the submitters: PubMed 15286169; PubMed 29405783.